The following is an entry in ClinVar:

NC_000016.9:g.(?_89824975)_(89828440_?)del

Gene: FANCA (FA complementation group A; minus strand). Cytogenetic location: 16q24.3.
Variant type: Deletion.
Identifiers: ClinVar variation 1451998 (VCV001451998.4).

ClinVar aggregate classification (germline): Pathogenic (1 of 4 stars; one submission).

Conditions:
Fanconi anemia (FA). Also called: Fanconi's anemia. Identifiers: Orphanet 84, MedGen C0015625, MeSH D005199, MONDO:0019391.

Submission:

Labcorp Genetics (formerly Invitae), Labcorp
Classification: Pathogenic for Fanconi anemia. Last evaluated: 2021-07-13. Review status: criteria provided, single submitter. Criteria: Invitae Variant Classification Sherloc (09022015). Collection method: clinical testing. Allele origin: germline.
Comment: This variant is a gross deletion of the genomic region encompassing exon(s) 29-30 of the FANCA gene. This deletion is out-of-frame, and is expected to create a premature translational stop signal and result in an absent or disrupted protein product. Loss-of-function variants in FANCA are known to be pathogenic (PMID: 19367192). A similar copy number variant has been observed in individual(s) with Fanconi anemia (PMID: 28717661). This variant is also known as c.(2778+1_2779-1)_(2981+1_2982-1)del. For these reasons, this variant has been classified as Pathogenic.

Literature cited by the submitters: PubMed 19367192; PubMed 28717661.